The following is an entry in ClinVar:

NM_001113378.2(FANCI):c.3088A>T (p.Asn1030Tyr)

Gene: FANCI (FA complementation group I; plus strand). Cytogenetic location: 15q26.1.
Variant type: single nucleotide variant.
Coding change: c.3088A>T on transcript NM_001113378.2 (MANE Select); coding-DNA position 3088, A replaced by T.
Protein change: p.Asn1030Tyr; replaces asparagine 1030 with tyrosine.
Molecular consequence: missense variant.
Genome position (GRCh38, 1-based): chr15:89,305,144, A>T. VCF-style: chr15-89305144-A-T. GRCh37 (hg19) VCF-style: chr15-89848375-A-T.
Other names: c.2809A>T, p.Asn937Tyr (NM_001376910.1); c.3088A>T, p.Asn1030Tyr (NM_001376911.1); c.2908A>T, p.Asn970Tyr (NM_018193.3); short protein forms N1030Y, N970Y, N937Y.
Identifiers: ClinVar variation 3632456 (VCV003632456.2).

ClinVar aggregate classification (germline): Uncertain significance (1 of 4 stars; one submission).

Conditions:
Fanconi anemia (FA). Also called: Fanconi's anemia. Identifiers: Orphanet 84, MedGen C0015625, MeSH D005199, MONDO:0019391.

gnomAD v4.1: 2 of 1,614,202 alleles (0.00012%); highest among the groups gnomAD compares: East Asian, 0.0045%; no homozygotes.

Submission:

Labcorp Genetics (formerly Invitae), Labcorp
Classification: Uncertain significance for Fanconi anemia. Last evaluated: 2024-09-25. Review status: criteria provided, single submitter. Criteria: Invitae Variant Classification Sherloc (09022015). Collection method: clinical testing. Allele origin: germline.
Comment: This sequence change replaces asparagine, which is neutral and polar, with tyrosine, which is neutral and polar, at codon 1030 of the FANCI protein (p.Asn1030Tyr). This variant is present in population databases (rs765315976, gnomAD 0.01%). This variant has not been reported in the literature in individuals affected with FANCI-related conditions. Invitae Evidence Modeling of protein sequence and biophysical properties (such as structural, functional, and spatial information, amino acid conservation, physicochemical variation, residue mobility, and thermodynamic stability) indicates that this missense variant is expected to disrupt FANCI protein function with a positive predictive value of 80%. In summary, the available evidence is currently insufficient to determine the role of this variant in disease. Therefore, it has been classified as a Variant of Uncertain Significance.